The following is an entry in ClinVar:

NM_001371986.1(UNC80):c.1063del (p.Tyr355fs)

Gene: UNC80 (unc-80 subunit of NALCN channel complex; plus strand). Cytogenetic location: 2q34.
Variant type: Deletion.
Coding change: c.1063del on transcript NM_001371986.1 (MANE Select); coding-DNA position 1063, one base deleted (T; older notation c.1063delT).
Protein change: p.Tyr355fs; shifts the reading frame from tyrosine 355.
Molecular consequence: frameshift variant.
Genome position (GRCh38, 1-based): chr2:209,813,704, T deleted. VCF-style (leftmost placement, unchanged base first): chr2-209813703-CT-C. GRCh37 (hg19) VCF-style: chr2-210678427-CT-C.
Other names: c.1063delT (NM_032504.1); c.1063del, p.Tyr355fs (NM_032504.2, NM_182587.4); short protein forms Y355fs.
Identifiers: ClinVar variation 452068 (VCV000452068.3), dbSNP rs1553523425, ClinGen allele CA658657200.
Genomic context (GRCh38, chr2:209,813,703, plus strand): 5'-TCTGCGCTGCCTACTTCAGCCCCATTGGTCTGAGGAAGGCACTCAGTGGTCTCTGATGTA[CT>C]ATCTACAAAGGCTGCGACACATGTTGGAAGAGAAGCCAGAAAAGCCTCCGGAGCCAGATA-3'

ClinVar aggregate classification (germline): Likely pathogenic. Review status: criteria provided, multiple submitters, no conflicts (2 of 4 stars). 2 submissions from 2 submitters: Likely pathogenic (2). Last evaluated 2019-05-28.

Conditions:
Hypotonia, infantile, with psychomotor retardation and characteristic facies 2 (IHPRF2). Also called: UNC80 Deficiency. Identifiers: Orphanet 371364, Orphanet 700333, MedGen C4225203, MONDO:0014777, OMIM 616801.

Submissions (2):

CENTOGENE GmbH and LLC - Guiding Precision Medicine
Classification: Likely pathogenic for Hypotonia, infantile, with psychomotor retardation and characteristic facies 2. Last evaluated: 2019-05-28. Review status: criteria provided, single submitter. Criteria: ACMG Guidelines, 2015. Collection method: clinical testing. Allele origin: germline. Affected: yes.

GeneDx
Classification: Likely pathogenic. Last evaluated: 2017-09-15. Review status: criteria provided, single submitter. Criteria: GeneDx Variant Classification (06012015). Collection method: clinical testing. Allele origin: germline. Affected: yes.
Comment: The c.1063delT variant in the UNC80 gene has not been reported previously as a pathogenic variant nor as a benign variant, to our knowledge. The c.1063delT variant causes a frameshift starting with codon Tyrosine 355, changes this amino acid to an Isoleucine residue, and creates a premature Stop codon at position 39 of the new reading frame, denoted p.Tyr355IlefsX39. This variant is predicted to cause loss of normal protein function either through protein truncation or nonsense-mediated mRNA decay. The c.1063delT variant is not observed in large population cohorts (Lek et al., 2016; 1000 Genomes Consortium et al., 2015; Exome Variant Server). We interpret c.1063delT as a likely pathogenic variant.